The following is an entry in ClinVar:

ClinVar aggregate classification (germline): Likely benign (1 of 4 stars; one submission).

Allele frequency attached by ClinVar (database versions not stated): 1000 Genomes Project 0.00180; 1000 Genomes Project 30x 0.00203; gnomAD 0.00407; ESP Exome Variant Server 0.00472; TOPMed 0.00512.
gnomAD v4.1: 9,382 of 1,580,012 alleles (0.59%); highest among the groups gnomAD compares: Non-Finnish European, 0.69%; 33 homozygotes.

Submission:

CeGaT Center for Human Genetics Tuebingen
Classification: Likely benign. Last evaluated: 2023-01-01. Review status: criteria provided, single submitter. Criteria: CeGaT Center For Human Genetics Tuebingen Variant Classification Criteria Version 2. Collection method: clinical testing. Allele origin: germline. Affected: yes. Observed: 2 variant alleles.
Comment: PPP1R12C: BP4, BP7, BS2

NM_017607.4(PPP1R12C):c.1440G>A (p.Pro480=)

Gene: PPP1R12C (protein phosphatase 1 regulatory subunit 12C; minus strand). Cytogenetic location: 19q13.42.
Variant type: single nucleotide variant.
Coding change: c.1440G>A on transcript NM_017607.4 (MANE Select); coding-DNA position 1440, G replaced by A.
Protein change: p.Pro480=; no amino-acid change (proline 480 retained).
Molecular consequence: synonymous variant.
Genome position (GRCh38, 1-based): chr19:55,095,305, C>T on the plus strand (G>A on the coding strand, the complement: PPP1R12C is on the minus strand). VCF-style: chr19-55095305-C-T. GRCh37 (hg19) VCF-style: chr19-55606673-C-T.
Other names: c.1437G>A, p.Pro479= (NM_001271618.2).
Identifiers: ClinVar variation 2650508 (VCV002650508.24), dbSNP rs35936110, ClinGen allele CA9666760.